The following is an entry in ClinVar:

NM_015100.4(POGZ):c.3237C>T (p.His1079=)

Gene: POGZ (pogo transposable element derived with ZNF domain; minus strand). Cytogenetic location: 1q21.3.
Variant type: single nucleotide variant.
Coding change: c.3237C>T on transcript NM_015100.4 (MANE Select); coding-DNA position 3237, C replaced by T.
Protein change: p.His1079=; no amino-acid change (histidine 1079 retained).
Molecular consequence: synonymous variant.
Genome position (GRCh38, 1-based): chr1:151,405,798, G>A on the plus strand (C>T on the coding strand, the complement: POGZ is on the minus strand). VCF-style: chr1-151405798-G-A. GRCh37 (hg19) VCF-style: chr1-151378274-G-A.
Other names: c.3210C>T, p.His1070= (NM_001194937.2); c.3051C>T, p.His1017= (NM_001194938.2); c.2952C>T, p.His984= (NM_145796.4); c.3078C>T, p.His1026= (NM_207171.2).
Identifiers: ClinVar variation 587987 (VCV000587987.41), dbSNP rs149003420, ClinGen allele CA1090994.
Genomic context (GRCh38, chr1:151,405,798, plus strand): 5'-CTCTGCTACATCCTTAGGTAGGGTGTGGGCCACAGCTCGCCGGGCATGGGGAGTCAGGTG[G>A]TGCCGCAGCATGAAACGCACAGCCCACTCATAGGAGATCTTAAACCCCCCTTCCAAAGAA-3'
Protein context (NP_055915.2, residues 1069-1089): YEWAVRFMLR[His1079=]HLTPHARRAV

ClinVar aggregate classification (germline): Benign/Likely benign. Review status: criteria provided, multiple submitters, no conflicts (2 of 4 stars). 7 submissions from 7 submitters: Benign (3); Likely benign (3). 1 of the submissions does not count toward it. Last evaluated 2026-08-01.

Conditions:
Inborn genetic diseases. Identifiers: MedGen C0950123, MeSH D030342.
Intellectual disability-microcephaly-strabismus-behavioral abnormalities syndrome. Also called: White-Sutton Syndrome. Identifiers: Orphanet 468678, MedGen C4225351, MONDO:0014606, OMIM 616364.
POGZ-related disorder. Also called: POGZ-related condition.

Allele frequency attached by ClinVar (database versions not stated): 1000 Genomes Project 0.00359; 1000 Genomes Project 30x 0.00359; gnomAD exomes 0.00533; ExAC 0.00546; TOPMed 0.00578; gnomAD 0.00601 and 0.00605; ESP Exome Variant Server 0.00638.
gnomAD v4.1: 13,989 of 1,614,162 alleles (0.87%); highest among the groups gnomAD compares: Non-Finnish European, 1.1%; 75 homozygotes.

Submissions (7):

CeGaT Center for Human Genetics Tuebingen
Classification: Benign. Last evaluated: 2026-08-01. Review status: criteria provided, single submitter. Criteria: CeGaT Center For Human Genetics Tuebingen Variant Classification Criteria Version 2. Collection method: clinical testing. Allele origin: germline. Affected: yes. Observed: 42 variant alleles.
Comment: POGZ: BP4, BS1, BS2

Genome-Nilou Lab
Classification: Likely benign for Intellectual disability-microcephaly-strabismus-behavioral abnormalities syndrome. Last evaluated: 2023-04-11. Review status: criteria provided, single submitter. Criteria: ACMG Guidelines, 2015. Collection method: clinical testing. Allele origin: germline. Affected: no.

Labcorp Genetics (formerly Invitae), Labcorp
Classification: Benign. Last evaluated: 2019-12-31. Review status: criteria provided, single submitter. Criteria: Invitae Variant Classification Sherloc (09022015). Collection method: clinical testing. Allele origin: germline.

GeneDx
Classification: Benign. Last evaluated: 2018-12-03. Review status: criteria provided, single submitter. Criteria: GeneDx Variant Classification Process June 2021. Collection method: clinical testing. Allele origin: germline. Affected: yes.

Ambry Genetics
Classification: Likely benign for Inborn genetic diseases. Last evaluated: 2016-06-22. Review status: criteria provided, single submitter. Criteria: Ambry Variant Classification Scheme 2023. Collection method: clinical testing. Allele origin: germline.

Breakthrough Genomics
Classification: Likely benign. Review status: criteria provided, single submitter. Criteria: ACMG Guidelines, 2015. Collection method: not provided. Allele origin: germline. Inheritance: Autosomal dominant inheritance. Affected: yes.

PreventionGenetics, part of Exact Sciences
Classification: Benign for POGZ-related condition. Last evaluated: 2019-05-22. Review status: no assertion criteria provided. Collection method: clinical testing. Allele origin: germline. Not counted in ClinVar's aggregate classification.
Comment: This variant is classified as benign based on ACMG/AMP sequence variant interpretation guidelines (Richards et al. 2015 PMID: 25741868, with internal and published modifications).